The following is an entry in ClinVar:

Conditions:
Long QT syndrome 5 (LQT5). Identifiers: Orphanet 101016, Orphanet 768, MedGen C1867904, MONDO:0013372, OMIM 613695.

Submission:

Roden Lab, Vanderbilt University Medical Center
No classification provided (evidence only). Condition: Long QT syndrome 5. Review status: no classification provided. Collection method: in vitro. Allele origin: not applicable. Functional consequence: Effect on ion channel function.
ClinVar note: "not provided" was previously submitted as the classification for the variant. However, the classification appeared to be based only on an observation of functional data so it was converted to no classification on 2025-07-30.

NM_000219.6(KCNE1):c.172A>T (p.Thr58Ser)

Gene: KCNE1 (potassium voltage-gated channel subfamily E regulatory subunit 1; minus strand). Cytogenetic location: 21q22.12.
Variant type: single nucleotide variant.
Coding change: c.172A>T on transcript NM_000219.6 (MANE Select); coding-DNA position 172, A replaced by T.
Protein change: p.Thr58Ser; replaces threonine 58 with serine.
Molecular consequence: missense variant.
Genome position (GRCh38, 1-based): chr21:34,449,463, T>A on the plus strand (A>T on the coding strand, the complement: KCNE1 is on the minus strand). VCF-style: chr21-34449463-T-A. GRCh37 (hg19) VCF-style: chr21-35821761-T-A.
Other names: c.172A>T, p.Thr58Ser (NM_001127668.4, NM_001127669.4, NM_001127670.4 and 4 more transcripts); short protein forms T58S.
Identifiers: ClinVar variation 3374241 (VCV003374241.2).